The following is an entry in ClinVar:

NM_003803.4(MYOM1):c.4720G>C (p.Val1574Leu)

Gene: MYOM1 (myomesin 1; minus strand). Cytogenetic location: 18p11.31.
Variant type: single nucleotide variant.
Coding change: c.4720G>C on transcript NM_003803.4 (MANE Select); coding-DNA position 4720, G replaced by C.
Protein change: p.Val1574Leu; replaces valine 1574 with leucine.
Molecular consequence: missense variant.
Genome position (GRCh38, 1-based): chr18:3,071,878, C>G on the plus strand (G>C on the coding strand, the complement: MYOM1 is on the minus strand). VCF-style: chr18-3071878-C-G. GRCh37 (hg19) VCF-style: chr18-3071876-C-G.
Other names: c.4720G>C (NM_003803.3); c.4432G>C, p.Val1478Leu (NM_019856.2); short protein forms V1574L, V1478L.
Identifiers: ClinVar variation 1507628 (VCV001507628.7), dbSNP rs1408010275, ClinGen allele CA401706440.

ClinVar aggregate classification (germline): Uncertain significance. Review status: criteria provided, multiple submitters, no conflicts (2 of 4 stars). 2 submissions from 2 submitters: Uncertain significance (2). Last evaluated 2025-12-23.

Conditions:
Hypertrophic cardiomyopathy. Also called: HYPERTROPHIC MYOCARDIOPATHY. Identifiers: Orphanet 217569, MedGen C0007194, MeSH D002312, MONDO:0005045, HP:0001639.

gnomAD v4.1: 7 of 1,605,180 alleles (0.00044%); highest among the groups gnomAD compares: Admixed American, 0.0017%; no homozygotes.

Submissions (2):

Labcorp Genetics (formerly Invitae), Labcorp
Classification: Uncertain significance for Hypertrophic cardiomyopathy. Last evaluated: 2025-12-23. Review status: criteria provided, single submitter. Criteria: Invitae Variant Classification Sherloc (09022015). Collection method: clinical testing. Allele origin: germline.
Comment: This sequence change replaces valine, which is neutral and non-polar, with leucine, which is neutral and non-polar, at codon 1574 of the MYOM1 protein (p.Val1574Leu). This variant is present in population databases (no rsID available, gnomAD 0.002%). This variant has not been reported in the literature in individuals affected with MYOM1-related conditions. ClinVar contains an entry for this variant (Variation ID: 1507628). Invitae Evidence Modeling of protein sequence and biophysical properties (such as structural, functional, and spatial information, amino acid conservation, physicochemical variation, residue mobility, and thermodynamic stability) has been performed for this missense variant. However, the output from this modeling did not meet the statistical confidence thresholds required to predict the impact of this variant on MYOM1 protein function. In summary, the available evidence is currently insufficient to determine the role of this variant in disease. Therefore, it has been classified as a Variant of Uncertain Significance.

Ambry Genetics
Classification: Uncertain significance. Last evaluated: 2024-06-22. Review status: criteria provided, single submitter. Criteria: Ambry Variant Classification Scheme 2023. Collection method: clinical testing. Allele origin: germline.